The following is an entry in ClinVar:

NM_000271.5(NPC1):c.1754_1755del (p.Lys585fs)

Gene: NPC1 (NPC intracellular cholesterol transporter 1; minus strand). Cytogenetic location: 18q11.2.
Variant type: Deletion.
Coding change: c.1754_1755del on transcript NM_000271.5 (MANE Select); coding-DNA positions 1754 to 1755, 2 bases deleted (AA; older notation c.1754_1755delAA).
Protein change: p.Lys585fs; shifts the reading frame from lysine 585.
Molecular consequence: frameshift variant.
Genome position (GRCh38, 1-based): chr18:23,548,008-23,548,009, TT deleted on the plus strand (AA on the coding strand, the reverse complement: NPC1 is on the minus strand); deleting any 2 consecutive bases within chr18:23,548,008-23,548,012 gives the same sequence; the c. name uses the placement nearest the transcript's 3' end. VCF-style (leftmost placement, unchanged base first): chr18-23548007-CTT-C. GRCh37 (hg19) VCF-style: chr18-21127971-CTT-C.
Other names: short protein forms K585fs.
Identifiers: ClinVar variation 3728682 (VCV003728682.2).
Genomic context (GRCh38, chr18:23,548,007, plus strand): 5'-GCAAGTGTCTAGCTTCCCACAATGCAAGGACAGTCTGCTCACACCCATGAGTGACTCACT[CTT>C]TTTCCCAGGCCTGGGCCCTCTGGAGCTTCTCTGTATCATTATAGTAATTATTGACAGGGA-3'

ClinVar aggregate classification (germline): Pathogenic (1 of 4 stars; one submission).

Conditions:
Niemann-Pick disease, type C1. Also called: NIEMANN-PICK DISEASE, VARIANT TYPE C1; NEUROVISCERAL STORAGE DISEASE WITH VERTICAL SUPRANUCLEAR OPHTHALMOPLEGIA; NIEMANN-PICK DISEASE WITH CHOLESTEROL ESTERIFICATION BLOCK; NIEMANN-PICK DISEASE WITHOUT SPHINGOMYELINASE DEFICIENCY; NIEMANN-PICK DISEASE, CHRONIC NEURONOPATHIC FORM. Identifiers: Orphanet 646, MedGen C3179455, MONDO:0009757, OMIM 257220.

Submission:

Labcorp Genetics (formerly Invitae), Labcorp
Classification: Pathogenic for Niemann-Pick disease, type C1. Last evaluated: 2025-01-08. Review status: criteria provided, single submitter. Criteria: Invitae Variant Classification Sherloc (09022015). Collection method: clinical testing. Allele origin: germline.
Comment: This sequence change creates a premature translational stop signal (p.Lys585Argfs*4) in the NPC1 gene. It is expected to result in an absent or disrupted protein product. Loss-of-function variants in NPC1 are known to be pathogenic (PMID: 9211850). This variant is not present in population databases (gnomAD no frequency). This variant has not been reported in the literature in individuals affected with NPC1-related conditions. For these reasons, this variant has been classified as Pathogenic.

Literature cited by the submitters: PubMed 9211850.